The following is an entry in ClinVar:

NM_005993.5(TBCD):c.2853-3C>A

Gene: TBCD (tubulin folding cofactor D). Cytogenetic location: 17q25.3.
Variant type: single nucleotide variant.
Coding change: c.2853-3C>A on transcript NM_005993.5 (MANE Select); 3 bases into the intron before coding-DNA position 2853, C replaced by A.
Molecular consequence: intron variant.
Genome position (GRCh38, 1-based): chr17:82,929,359, C>A. VCF-style: chr17-82929359-C-A. GRCh37 (hg19) VCF-style: chr17-80887235-C-A.
Identifiers: ClinVar variation 1442979 (VCV001442979.6), dbSNP rs2147304849, ClinGen allele CA2573155118.

ClinVar aggregate classification (germline): Uncertain significance (1 of 4 stars; one submission).

Submission:

Labcorp Genetics (formerly Invitae), Labcorp
Classification: Uncertain significance. Last evaluated: 2023-08-24. Review status: criteria provided, single submitter. Criteria: Invitae Variant Classification Sherloc (09022015). Collection method: clinical testing. Allele origin: germline.
Comment: This sequence change falls in intron 31 of the TBCD gene. It does not directly change the encoded amino acid sequence of the TBCD protein. It affects a nucleotide within the consensus splice site. This variant is not present in population databases (gnomAD no frequency). This variant has not been reported in the literature in individuals affected with TBCD-related conditions. ClinVar contains an entry for this variant (Variation ID: 1442979). Variants that disrupt the consensus splice site are a relatively common cause of aberrant splicing (PMID: 17576681, 9536098). Algorithms developed to predict the effect of sequence changes on RNA splicing suggest that this variant is not likely to affect RNA splicing. In summary, the available evidence is currently insufficient to determine the role of this variant in disease. Therefore, it has been classified as a Variant of Uncertain Significance.

Literature cited by the submitters: PubMed 17576681; PubMed 9536098.